The following is an entry in ClinVar:

ClinVar aggregate classification (germline): Uncertain significance (1 of 4 stars; one submission).

Conditions:
Neurofibromatosis, type 1 (NF1). Also called: Neurofibromatosis, type I; Peripheral type neurofibromatosis; VON RECKLINGHAUSEN DISEASE; NEUROFIBROMATOSIS, TYPE I, SOMATIC. Identifiers: Orphanet 636, MedGen C0027831, MONDO:0018975, OMIM 162200. Disease mechanism: loss of function.

Submission:

Labcorp Genetics (formerly Invitae), Labcorp
Classification: Uncertain significance for Neurofibromatosis, type 1. Last evaluated: 2024-02-24. Review status: criteria provided, single submitter. Criteria: Invitae Variant Classification Sherloc (09022015). Collection method: clinical testing. Allele origin: germline.
Comment: This sequence change replaces asparagine, which is neutral and polar, with isoleucine, which is neutral and non-polar, at codon 1840 of the NF1 protein (p.Asn1840Ile). This variant is not present in population databases (gnomAD no frequency). This variant has not been reported in the literature in individuals affected with NF1-related conditions. ClinVar contains an entry for this variant (Variation ID: 966109). Advanced modeling of protein sequence and biophysical properties (such as structural, functional, and spatial information, amino acid conservation, physicochemical variation, residue mobility, and thermodynamic stability) performed at Invitae indicates that this missense variant is expected to disrupt NF1 protein function with a positive predictive value of 95%. In summary, the available evidence is currently insufficient to determine the role of this variant in disease. Therefore, it has been classified as a Variant of Uncertain Significance.

NM_001042492.3(NF1):c.5582A>T (p.Asn1861Ile)

Gene: NF1 (neurofibromin 1; plus strand). Cytogenetic location: 17q11.2.
Variant type: single nucleotide variant.
Coding change: c.5582A>T on transcript NM_001042492.3 (MANE Select); coding-DNA position 5582, A replaced by T.
Protein change: p.Asn1861Ile; replaces asparagine 1861 with isoleucine.
Molecular consequence: missense variant.
Genome position (GRCh38, 1-based): chr17:31,327,812, A>T. VCF-style: chr17-31327812-A-T. GRCh37 (hg19) VCF-style: chr17-29654830-A-T.
Other names: c.5519A>T, p.Asn1840Ile (NM_000267.4); short protein forms N1840I, N1861I.
Identifiers: ClinVar variation 966109 (VCV000966109.7), dbSNP rs1555533647, ClinGen allele CA399010018.